The following is an entry in ClinVar:

NM_004260.4(RECQL4):c.3576C>G (p.Phe1192Leu)

Gene: RECQL4 (RecQ like helicase 4; minus strand). Cytogenetic location: 8q24.3.
Variant type: single nucleotide variant.
Coding change: c.3576C>G on transcript NM_004260.4 (MANE Select); coding-DNA position 3576, C replaced by G.
Protein change: p.Phe1192Leu; replaces phenylalanine 1192 with leucine.
Molecular consequence: missense variant.
Genome position (GRCh38, 1-based): chr8:144,511,482, G>C on the plus strand (C>G on the coding strand, the complement: RECQL4 is on the minus strand). VCF-style: chr8-144511482-G-C. GRCh37 (hg19) VCF-style: chr8-145736865-G-C.
Other names: short protein forms F1192L.
Identifiers: ClinVar variation 1000413 (VCV001000413.3), dbSNP rs1586787251, ClinGen allele CA372665727.

ClinVar aggregate classification (germline): Uncertain significance (1 of 4 stars; one submission).

Conditions:
Baller-Gerold syndrome (BGS). Also called: CRANIOSYNOSTOSIS WITH RADIAL DEFECTS. Identifiers: Orphanet 1225, MedGen C0265308, MONDO:0009039, OMIM 218600.

gnomAD v4.1: 1 of 1,612,460 alleles (0.000062%); highest among the groups gnomAD compares: African/African-American, 0.0013%; no homozygotes.

Submission:

Labcorp Genetics (formerly Invitae), Labcorp
Classification: Uncertain significance for Baller-Gerold syndrome. Last evaluated: 2023-12-06. Review status: criteria provided, single submitter. Criteria: Invitae Variant Classification Sherloc (09022015). Collection method: clinical testing. Allele origin: germline.
Comment: This sequence change replaces phenylalanine, which is neutral and non-polar, with leucine, which is neutral and non-polar, at codon 1192 of the RECQL4 protein (p.Phe1192Leu). This variant is not present in population databases (gnomAD no frequency). This variant has not been reported in the literature in individuals affected with RECQL4-related conditions. ClinVar contains an entry for this variant (Variation ID: 1000413). Advanced modeling of protein sequence and biophysical properties (such as structural, functional, and spatial information, amino acid conservation, physicochemical variation, residue mobility, and thermodynamic stability) performed at Invitae indicates that this missense variant is expected to disrupt RECQL4 protein function with a positive predictive value of 80%. In summary, the available evidence is currently insufficient to determine the role of this variant in disease. Therefore, it has been classified as a Variant of Uncertain Significance.